The following is an entry in ClinVar:

ClinVar aggregate classification (germline): Likely benign (1 of 4 stars; one submission).

Conditions:
Leigh syndrome (NULS). Also called: Leigh's necrotizing encephalopathy; Leigh's disease; Leigh Syndrome (mtDNA deletion); Leigh Disease; Subacute necrotizing encephalopathy; Necrotizing encephalopathy infantile subacute of Leigh. Identifiers: Orphanet 506, MedGen C2931891, MONDO:0009723, OMIM 256000.

Submission:

Wong Mito Lab, Molecular and Human Genetics, Baylor College of Medicine
Classification: Likely benign for Leigh syndrome. Last evaluated: 2019-10-17. Review status: criteria provided, single submitter. Criteria: Modified ACMG Guidelines (Unpublished). Collection method: clinical testing. Allele origin: germline.
Comment: The NC_012920.1:m.10083A>G (YP_003024033.1:p.Ile9Val) variant in MTND3 gene is interpretated to be a Likely Benign variant based on the modified ACMG guidelines (unpublished). This variant meets the following evidence codes: BS4, BP4, BP5

NC_012920.1(MT-ND3):m.10083A>G

Gene: MT-ND3 (mitochondrially encoded NADH dehydrogenase 3; plus strand).
Variant type: single nucleotide variant.
Genome position: chrM-10083-A-G.
Identifiers: ClinVar variation 693259 (VCV000693259.1), dbSNP rs1556423760, ClinGen allele CA414804238.
Genomic context (GRCh38, chrMT:10,083, plus strand): 5'-CAATTAACTAGTTTTGACAACATTCAAAAAAGAGTAATAAACTTCGCCTTAATTTTAATA[A>G]TCAACACCCTCCTAGCCTTACTACTAATAATTATTACATTTTGACTACCACAACTCAACG-3'